The following is an entry in ClinVar:

NM_001042492.3(NF1):c.4932C>T (p.Asp1644=)

Gene: NF1 (neurofibromin 1; plus strand). Cytogenetic location: 17q11.2.
Variant type: single nucleotide variant.
Coding change: c.4932C>T on transcript NM_001042492.3 (MANE Select); coding-DNA position 4932, C replaced by T.
Protein change: p.Asp1644=; no amino-acid change (aspartic acid 1644 retained).
Molecular consequence: synonymous variant.
Genome position (GRCh38, 1-based): chr17:31,325,916, C>T. VCF-style: chr17-31325916-C-T. GRCh37 (hg19) VCF-style: chr17-29652934-C-T.
Other names: c.4869C>T, p.Asp1623= (NM_000267.4).
Identifiers: ClinVar variation 527659 (VCV000527659.12), dbSNP rs1555533304, ClinGen allele CA499232968.

ClinVar aggregate classification (germline): Likely benign. Review status: criteria provided, multiple submitters, no conflicts (2 of 4 stars). 3 submissions from 3 submitters: Likely benign (2). 1 of the submissions does not count toward it. Last evaluated 2026-01-15.

Conditions:
Cardiovascular phenotype. Identifiers: MedGen CN230736.
Hereditary cancer-predisposing syndrome. Also called: Neoplastic Syndromes, Hereditary; Tumor predisposition; Hereditary neoplastic syndrome; Hereditary Cancer Syndrome. Identifiers: Orphanet 140162, MedGen C0027672, MeSH D009386, MONDO:0015356.
Neurofibromatosis, type 1 (NF1). Also called: VON RECKLINGHAUSEN DISEASE; NEUROFIBROMATOSIS, TYPE I, SOMATIC; Peripheral type neurofibromatosis; Neurofibromatosis, type I. Identifiers: Orphanet 636, MedGen C0027831, MONDO:0018975, OMIM 162200. Disease mechanism: loss of function.
NF1-related disorder. Also called: NF1-related condition. Identifiers: MedGen CN379171.

Submissions (3):

Labcorp Genetics (formerly Invitae), Labcorp
Classification: Likely benign for Neurofibromatosis, type 1. Last evaluated: 2026-01-15. Review status: criteria provided, single submitter. Criteria: Invitae Variant Classification Sherloc (09022015). Collection method: clinical testing. Allele origin: germline.

Ambry Genetics
Classification: Likely benign for Cardiovascular phenotype; Hereditary cancer-predisposing syndrome. Last evaluated: 2017-10-25. Review status: criteria provided, single submitter. Criteria: Ambry Variant Classification Scheme 2023. Collection method: clinical testing. Allele origin: germline.

PreventionGenetics, part of Exact Sciences
Classification: Likely benign for NF1-related condition. Last evaluated: 2020-01-07. Review status: no assertion criteria provided. Collection method: clinical testing. Allele origin: germline. Not counted in ClinVar's aggregate classification.
Comment: This variant is classified as likely benign based on ACMG/AMP sequence variant interpretation guidelines (Richards et al. 2015 PMID: 25741868, with internal and published modifications).